The following is an entry in ClinVar:

NM_005476.7(GNE):c.443A>G (p.His148Arg)

Gene: GNE (glucosamine (UDP-N-acetyl)-2-epimerase/N-acetylmannosamine kinase; minus strand). Cytogenetic location: 9p13.3.
Variant type: single nucleotide variant.
Coding change: c.443A>G on transcript NM_005476.7 (MANE Select); coding-DNA position 443, A replaced by G.
Protein change: p.His148Arg; replaces histidine 148 with arginine.
Molecular consequence: missense variant.
Genome position (GRCh38, 1-based): chr9:36,246,204, T>C on the plus strand (A>G on the coding strand, the complement: GNE is on the minus strand). VCF-style: chr9-36246204-T-C. GRCh37 (hg19) VCF-style: chr9-36246201-T-C.
Other names: c.536A>G, p.His179Arg (NM_001128227.3); c.443A>G, p.His148Arg (NM_001190383.3, NM_001374797.1); c.266A>G, p.His89Arg (NM_001190384.3, NM_001190388.2, NM_001374798.1); short protein forms H148R, H89R, H179R.
Identifiers: ClinVar variation 2928357 (VCV002928357.3), dbSNP rs2489787838, ClinGen allele CA373418662.

ClinVar aggregate classification (germline): Uncertain significance (1 of 4 stars; one submission).

Conditions:
Sialuria. Also called: SIALURIA, FRENCH TYPE; Sialic Acid Storage Disease. Identifiers: Orphanet 3166, MedGen C0342853, MONDO:0010028, OMIM 269921.
GNE myopathy (NM). Also called: NONAKA DISTAL MYOPATHY; INCLUSION BODY MYOPATHY, HEREDITARY, AUTOSOMAL RECESSIVE; INCLUSION BODY MYOPATHY 2, AUTOSOMAL RECESSIVE; MYOPATHY, DISTAL, WITH OR WITHOUT RIMMED VACUOLES; IBM 2; Inclusion body myopathy autosomal recessive. Identifiers: Orphanet 602, MedGen C1853926, MONDO:0011603, OMIM 605820.

Submission:

Labcorp Genetics (formerly Invitae), Labcorp
Classification: Uncertain significance for Sialuria; GNE myopathy. Last evaluated: 2023-05-13. Review status: criteria provided, single submitter. Criteria: Invitae Variant Classification Sherloc (09022015). Collection method: clinical testing. Allele origin: germline.
Comment: In summary, the available evidence is currently insufficient to determine the role of this variant in disease. Therefore, it has been classified as a Variant of Uncertain Significance. Advanced modeling of protein sequence and biophysical properties (such as structural, functional, and spatial information, amino acid conservation, physicochemical variation, residue mobility, and thermodynamic stability) has been performed at Invitae for this missense variant, however the output from this modeling did not meet the statistical confidence thresholds required to predict the impact of this variant on GNE protein function. This missense change has been observed in individual(s) with GNE Myopathy (PMID: 30390020). This variant is not present in population databases (gnomAD no frequency). This sequence change replaces histidine, which is basic and polar, with arginine, which is basic and polar, at codon 179 of the GNE protein (p.His179Arg).

Literature cited by the submitters: PubMed 30390020.